The following is an entry in ClinVar:

NM_000264.5(PTCH1):c.3949A>G (p.Arg1317Gly)

Gene: PTCH1 (patched 1; minus strand). Cytogenetic location: 9q22.32.
Variant type: single nucleotide variant.
Coding change: c.3949A>G on transcript NM_000264.5 (MANE Select); coding-DNA position 3949, A replaced by G.
Protein change: p.Arg1317Gly; replaces arginine 1317 with glycine.
Molecular consequence: missense variant. On other transcripts: non-coding transcript variant (1).
Genome position (GRCh38, 1-based): chr9:95,447,307, T>C on the plus strand (A>G on the coding strand, the complement: PTCH1 is on the minus strand). VCF-style: chr9-95447307-T-C. GRCh37 (hg19) VCF-style: chr9-98209589-T-C.
Other names: c.3751A>G, p.Arg1251Gly (NM_001083602.3); c.3946A>G, p.Arg1316Gly (NM_001083603.3); c.3496A>G, p.Arg1166Gly (NM_001083604.3, NM_001083605.3, NM_001083606.3 and 1 more transcripts); c.3793A>G, p.Arg1265Gly (NM_001354918.2); short protein forms R1251G, R1265G, R1317G, R1166G, R1316G.
Identifiers: ClinVar variation 645952 (VCV000645952.16), dbSNP rs1482005246, ClinGen allele CA374110610.
Genomic context (GRCh38, chr9:95,447,307, plus strand): 5'-CCCTATTGCTAGGGCCAGAATGCCCTTCAGTAGAAATTTCAAAAGCGTCTCTGCGCGGTC[T>C]GTAGGGGGGTGGCCACAAGCCTTCTCTGGGGGGGTCCCTGCGGGGCTGCTGGCCTTGCCG-3'
Protein context (NP_000255.2, residues 1307-1327): PREGLWPPPY[Arg1317Gly]PRRDAFEIST

ClinVar aggregate classification (germline): Conflicting classifications of pathogenicity. Review status: criteria provided, conflicting classifications (1 of 4 stars). 2 submissions from 2 submitters: Uncertain significance (1); Benign (1). Last evaluated 2025-10-21.

Conditions:
Hereditary cancer-predisposing syndrome. Also called: Neoplastic Syndromes, Hereditary; Hereditary Cancer Syndrome; Hereditary neoplastic syndrome; Tumor predisposition. Identifiers: Orphanet 140162, MedGen C0027672, MeSH D009386, MONDO:0015356.
Gorlin syndrome. Also called: Basal cell nevus syndrome; Nevoid Basal Cell Carcinoma Syndrome. Identifiers: Orphanet 377, MedGen C0004779, MONDO:0007187.

Allele frequency attached by ClinVar (database versions not stated): gnomAD exomes below 0.00001.
gnomAD v4.1: 17 of 1,612,914 alleles (0.0011%); highest among the groups gnomAD compares: Non-Finnish European, 0.0014%; no homozygotes.

Submissions (2):

Labcorp Genetics (formerly Invitae), Labcorp
Classification: Benign for Gorlin syndrome. Last evaluated: 2025-10-21. Review status: criteria provided, single submitter. Criteria: Invitae Variant Classification Sherloc (09022015). Collection method: clinical testing. Allele origin: germline.

Ambry Genetics
Classification: Uncertain significance for Hereditary cancer-predisposing syndrome. Last evaluated: 2024-03-18. Review status: criteria provided, single submitter. Criteria: Ambry Variant Classification Scheme 2023. Collection method: clinical testing. Allele origin: germline.
Comment: The p.R1317G variant (also known as c.3949A>G), located in coding exon 23 of the PTCH1 gene, results from an A to G substitution at nucleotide position 3949. The arginine at codon 1317 is replaced by glycine, an amino acid with dissimilar properties. This amino acid position is well conserved in available vertebrate species. In addition, the in silico prediction for this alteration is inconclusive. Since supporting evidence is limited at this time, the clinical significance of this alteration remains unclear.